The following is an entry in ClinVar:

NM_173630.4(RTTN):c.2309+1093G>A

Gene: RTTN (rotatin; minus strand). Cytogenetic location: 18q22.2.
Variant type: single nucleotide variant.
Coding change: c.2309+1093G>A on transcript NM_173630.4 (MANE Select); 1093 bases into the intron after coding-DNA position 2309, G replaced by A.
Molecular consequence: intron variant.
Genome position (GRCh38, 1-based): chr18:70,147,808, C>T on the plus strand (G>A on the coding strand, the complement: RTTN is on the minus strand). VCF-style: chr18-70147808-C-T. GRCh37 (hg19) VCF-style: chr18-67815044-C-T.
Other names: c.-339+1093G>A (NM_001318520.2).
Identifiers: ClinVar variation 4819399 (VCV004819399.1).

ClinVar aggregate classification (germline): Uncertain significance (1 of 4 stars; one submission).

Conditions:
Microcephalic primordial dwarfism due to RTTN deficiency (MSSP). Also called: MICROCEPHALY, SHORT STATURE, AND POLYMICROGYRIA; Microcephaly, short stature, and polymicrogyria with or without seizures. Identifiers: Orphanet 468631, MedGen C3553831, MONDO:0018764, OMIM 614833.

Submission:

Ozbek Human Genetics Laboratory, Izmir Biomedicine and Genome Center
Classification: Uncertain significance for Microcephalic primordial dwarfism due to RTTN deficiency. Last evaluated: 2026-01-26. Review status: criteria provided, single submitter. Criteria: ACMG Guidelines, 2015. Collection method: research. Allele origin: unknown. Affected: yes. Observed: 1 variant allele, 1 homozygote.
Comment: A homozygous c.2309+1093G>A splice site variant was detected in exon 17 of the RTTN gene (NM_173630.4). This variant is very rarely observed in population databases (PM2). In silico algorithms (Splice AI=0.97) predict this variant has a damaging effect at the protein level (PP3). Based on this information, this variant is classified as a Variant of Uncertain Significance (VUS) according to ACMG criteria. The RTTN gene is associated with "Microcephaly, short stature, and polymicrogyria with seizures" in the OMIM database. It is thought that this syndrome can explain the microcephaly, cognitive delay, and epilepsy findings observed in the patient. Data obtained via the RAREBOOST project (Horizon 2020 ERA Chairs at Izmir Biomedicine and Genome Center - IBG)